The following is an entry in ClinVar:

ClinVar aggregate classification (germline): Conflicting classifications of pathogenicity. Review status: criteria provided, conflicting classifications (1 of 4 stars). 3 submissions from 2 submitters: Uncertain significance (2); Likely benign (1). Last evaluated 2025-09-27.

Conditions:
Transitory neonatal diabetes mellitus. Also called: Transient neonatal diabetes mellitus. Identifiers: MedGen C0342273, MONDO:0020525, HP:0008255.
Maturity-onset diabetes of the young (MODY). Also called: Maturity onset diabetes mellitus in young. Identifiers: Orphanet 552, MedGen C0342276, MONDO:0018911, HP:0004904.

Allele frequency attached by ClinVar (database versions not stated): gnomAD exomes 0.00001 and 0.00005; TOPMed 0.00001; ExAC 0.00005.
gnomAD v4.1: 18 of 1,614,162 alleles (0.0011%); highest among the groups gnomAD compares: Admixed American, 0.013%; no homozygotes.

Submissions (3):

Labcorp Genetics (formerly Invitae), Labcorp
Classification: Likely benign. Last evaluated: 2025-09-27. Review status: criteria provided, single submitter. Criteria: Invitae Variant Classification Sherloc (09022015). Collection method: clinical testing. Allele origin: germline.

Clinical Genomics, Uppaluri K&H Personalized Medicine Clinic
Classification: Uncertain significance for Maturity-onset diabetes of the young. Review status: criteria provided, single submitter. Criteria: K & H Uppaluri Personalized Medicine Clinic Variant Classification & Assertion Criteria_Updated V.1. Collection method: research. Allele origin: somatic. Inheritance: Somatic mutation.
Comment: Mutations in ABCC8 gene are associated with both neonatal diabetes mellitus as well as MODY. Patients with this mutation may have a better response to sulfonylureas. However, no sufficient evidence is found to ascertain the role of this particular variant (rs746146690) in MODY yet.

Clinical Genomics, Uppaluri K&H Personalized Medicine Clinic
Classification: Uncertain significance for Transitory neonatal diabetes mellitus. Review status: criteria provided, single submitter. Criteria: K & H Uppaluri Personalized Medicine Clinic Variant Classification & Assertion Criteria_Updated V.1. Collection method: research. Allele origin: somatic. Inheritance: Somatic mutation.
Comment: Mutations in ABCC8 gene are associated with both neonatal diabetes mellitus as well as MODY. Patients with this mutation may have a better response to sulfonylureas. However, no sufficient evidence is found to ascertain the role of this particular variant (rs746146690) in neonatal diabetes yet.

Literature cited by the submitters: PubMed 16885549 (cited by Clinical Genomics, Uppaluri K&H Personalized Medicine Clinic); PubMed 21989597 (cited by Clinical Genomics, Uppaluri K&H Personalized Medicine Clinic); PubMed 27538677 (cited by Clinical Genomics, Uppaluri K&H Personalized Medicine Clinic); PubMed 18981553 (cited by Clinical Genomics, Uppaluri K&H Personalized Medicine Clinic); PubMed 32027066 (cited by Clinical Genomics, Uppaluri K&H Personalized Medicine Clinic); PubMed 16613899 (cited by Clinical Genomics, Uppaluri K&H Personalized Medicine Clinic); PubMed 18025408 (cited by Clinical Genomics, Uppaluri K&H Personalized Medicine Clinic); PubMed 32792356 (cited by Clinical Genomics, Uppaluri K&H Personalized Medicine Clinic).

NM_000352.6(ABCC8):c.3996G>A (p.Ser1332=)

Gene: ABCC8 (ATP binding cassette subfamily C member 8; minus strand). Cytogenetic location: 11p15.1.
Variant type: single nucleotide variant.
Coding change: c.3996G>A on transcript NM_000352.6 (MANE Select); coding-DNA position 3996, G replaced by A.
Protein change: p.Ser1332=; no amino-acid change (serine 1332 retained).
Molecular consequence: synonymous variant. On other transcripts: non-coding transcript variant (1).
Genome position (GRCh38, 1-based): chr11:17,397,039, C>T on the plus strand (G>A on the coding strand, the complement: ABCC8 is on the minus strand). VCF-style: chr11-17397039-C-T. GRCh37 (hg19) VCF-style: chr11-17418586-C-T.
Other names: c.3999G>A, p.Ser1333= (NM_001287174.3); c.4062G>A, p.Ser1354= (NM_001351295.2); c.3996G>A, p.Ser1332= (NM_001351296.2); c.3993G>A, p.Ser1331= (NM_001351297.2).
Identifiers: ClinVar variation 796817 (VCV000796817.11), dbSNP rs746146690, ClinGen allele CA5902600.